The following is an entry in ClinVar:

ClinVar aggregate classification (germline): Uncertain significance. Review status: criteria provided, multiple submitters, no conflicts (2 of 4 stars). 2 submissions from 2 submitters: Uncertain significance (2). Last evaluated 2026-06-08.

Conditions:
Hereditary cancer-predisposing syndrome. Also called: Hereditary neoplastic syndrome; Neoplastic Syndromes, Hereditary; Tumor predisposition; Hereditary Cancer Syndrome. Identifiers: Orphanet 140162, MedGen C0027672, MeSH D009386, MONDO:0015356.
Oligodontia-cancer predisposition syndrome. Also called: TOOTH AGENESIS-COLORECTAL CANCER SYNDROME. Identifiers: Orphanet 300576, MedGen C1837750, MONDO:0012075, OMIM 608615. Disease mechanism: loss of function.

Submissions (2):

Ambry Genetics
Classification: Uncertain significance for Hereditary cancer-predisposing syndrome. Last evaluated: 2026-06-08. Review status: criteria provided, single submitter. Criteria: Ambry Variant Classification Scheme 2023. Collection method: clinical testing. Allele origin: germline.
Comment: The p.A492S variant (also known as c.1474G>T), located in coding exon 5 of the AXIN2 gene, results from a G to T substitution at nucleotide position 1474. The alanine at codon 492 is replaced by serine, an amino acid with similar properties. This amino acid position is conserved. In addition, this alteration is predicted to be tolerated by in silico analysis. Based on the available evidence, the clinical significance of this variant remains unclear.

Labcorp Genetics (formerly Invitae), Labcorp
Classification: Uncertain significance for Oligodontia-cancer predisposition syndrome. Last evaluated: 2023-04-21. Review status: criteria provided, single submitter. Criteria: Invitae Variant Classification Sherloc (09022015). Collection method: clinical testing. Allele origin: germline.
Comment: In summary, the available evidence is currently insufficient to determine the role of this variant in disease. Therefore, it has been classified as a Variant of Uncertain Significance. An algorithm developed to predict the effect of missense changes on protein structure and function (PolyPhen-2) suggests that this variant is likely to be tolerated. This variant has not been reported in the literature in individuals affected with AXIN2-related conditions. This variant is not present in population databases (gnomAD no frequency). This sequence change replaces alanine, which is neutral and non-polar, with serine, which is neutral and polar, at codon 492 of the AXIN2 protein (p.Ala492Ser).

NM_004655.4(AXIN2):c.1474G>T (p.Ala492Ser)

Gene: AXIN2 (axin 2; minus strand). Cytogenetic location: 17q24.1.
Variant type: single nucleotide variant.
Coding change: c.1474G>T on transcript NM_004655.4 (MANE Select); coding-DNA position 1474, G replaced by T.
Protein change: p.Ala492Ser; replaces alanine 492 with serine.
Molecular consequence: missense variant.
Genome position (GRCh38, 1-based): chr17:65,537,562, C>A on the plus strand (G>T on the coding strand, the complement: AXIN2 is on the minus strand). VCF-style: chr17-65537562-C-A. GRCh37 (hg19) VCF-style: chr17-63533680-C-A.
Other names: c.1474G>T, p.Ala492Ser (NM_001363813.1); short protein forms A492S.
Identifiers: ClinVar variation 2858056 (VCV002858056.4), dbSNP rs1555577797, ClinGen allele CA400677429.